The following is an entry in ClinVar:

ClinVar aggregate classification (germline): Uncertain significance (1 of 4 stars; one submission).

Conditions:
Griscelli syndrome type 2 (GS2). Also called: PAID SYNDROME; PARTIAL ALBINISM AND IMMUNODEFICIENCY SYNDROME; GRISCELLI SYNDROME WITH HEMOPHAGOCYTIC SYNDROME. Identifiers: Orphanet 381, Orphanet 79477, MedGen C1868679, MONDO:0011872, OMIM 607624.

Allele frequency attached by ClinVar (database versions not stated): gnomAD exomes below 0.00001.
gnomAD v4.1: 3 of 1,582,834 alleles (0.00019%); highest among the groups gnomAD compares: South Asian, 0.0011%; no homozygotes.

Submission:

Labcorp Genetics (formerly Invitae), Labcorp
Classification: Uncertain significance for Griscelli syndrome type 2. Last evaluated: 2021-07-14. Review status: criteria provided, single submitter. Criteria: Invitae Variant Classification Sherloc (09022015). Collection method: clinical testing. Allele origin: germline.
Comment: This sequence change falls in intron 4 of the RAB27A gene. It does not directly change the encoded amino acid sequence of the RAB27A protein. It affects a nucleotide within the consensus splice site of the intron. This variant is not present in population databases (ExAC no frequency). This variant has not been reported in the literature in individuals affected with RAB27A-related conditions. Nucleotide substitutions within the consensus splice site are a relatively common cause of aberrant splicing (PMID: 17576681, 9536098). Algorithms developed to predict the effect of sequence changes on RNA splicing suggest that this variant may disrupt the consensus splice site. In summary, the available evidence is currently insufficient to determine the role of this variant in disease. Therefore, it has been classified as a Variant of Uncertain Significance.

Literature cited by the submitters: PubMed 17576681; PubMed 9536098.

NM_183235.3(RAB27A):c.343+3A>G

Gene: RAB27A (RAB27A, member RAS oncogene family; minus strand). Cytogenetic location: 15q21.3.
Variant type: single nucleotide variant.
Coding change: c.343+3A>G on transcript NM_183235.3 (MANE Select); 3 bases into the intron after coding-DNA position 343, A replaced by G.
Molecular consequence: intron variant.
Genome position (GRCh38, 1-based): chr15:55,228,606, T>C on the plus strand (A>G on the coding strand, the complement: RAB27A is on the minus strand). VCF-style: chr15-55228606-T-C. GRCh37 (hg19) VCF-style: chr15-55520804-T-C.
Other names: c.343+3A>G (NM_001438970.1, NM_001438977.1, NM_001438975.1 and 11 more transcripts).
Identifiers: ClinVar variation 1405677 (VCV001405677.4), dbSNP rs1895903423, ClinGen allele CA2178722931.
Genomic context (GRCh38, chr15:55,228,606, plus strand): 5'-AGAGGGCATTCTATAAATAAGAGGGGACTGTGTAGCAGGACACTGGGGAACAATAACACT[T>C]ACTTATCCAGTTTCTGACATTGAGGAAACTTTGCTCATTTGTCAGATCAAAAAGTAGAAG-3'